The following is an entry in ClinVar:

NM_001370466.1(NOD2):c.1428G>A (p.Glu476=)

Gene: NOD2 (nucleotide binding oligomerization domain containing 2; plus strand). Cytogenetic location: 16q12.1.
Variant type: single nucleotide variant.
Coding change: c.1428G>A on transcript NM_001370466.1 (MANE Select); coding-DNA position 1428, G replaced by A.
Protein change: p.Glu476=; no amino-acid change (glutamic acid 476 retained).
Molecular consequence: synonymous variant. On other transcripts: non-coding transcript variant (1).
Genome position (GRCh38, 1-based): chr16:50,711,420, G>A. VCF-style: chr16-50711420-G-A. GRCh37 (hg19) VCF-style: chr16-50745331-G-A.
Other names: c.1509G>A (LRG_177t1); c.1428G>A, p.Glu476= (NM_001293557.2); c.1509G>A, p.Glu503= (NM_022162.3).
Identifiers: ClinVar variation 97833 (VCV000097833.42), dbSNP rs104895434, ClinGen allele CA150214.

ClinVar aggregate classification (germline): Conflicting classifications of pathogenicity. Review status: criteria provided, conflicting classifications (1 of 4 stars). 7 submissions from 6 submitters: Uncertain significance (2); Likely benign (4). 1 of the submissions does not count toward it. Last evaluated 2025-11-23.

Conditions:
Inflammatory bowel disease 1 (IBD1). Also called: Inflammatory bowel disease 1, Crohn disease; INFLAMMATORY BOWEL DISEASE (CROHN DISEASE) 1. Identifiers: MedGen CN260071, MONDO:0009960, OMIM 266600.
Blau syndrome (BLAUS). Also called: GRANULOMATOSIS, FAMILIAL JUVENILE SYSTEMIC; GRANULOMATOSIS, FAMILIAL, BLAU TYPE; GRANULOMATOUS INFLAMMATORY ARTHRITIS, DERMATITIS, AND UVEITIS, FAMILIAL; JABS SYNDROME; ARTHROCUTANEOUVEAL GRANULOMATOSIS. Identifiers: Orphanet 90340, MedGen C5201146, MONDO:0008523, OMIM 186580.
Regional enteritis. Also called: Enteritis, Granulomatous. Identifiers: MedGen C0678202, MeSH D003424.

Allele frequency attached by ClinVar (database versions not stated): gnomAD exomes below 0.00001 and 0.00003; gnomAD 0.00001; ExAC 0.00002; TOPMed 0.00002.
gnomAD v4.1: 14 of 1,612,850 alleles (0.00087%); highest among the groups gnomAD compares: Admixed American, 0.005%; no homozygotes.

Submissions (7):

Labcorp Genetics (formerly Invitae), Labcorp
Classification: Likely benign for Regional enteritis; Blau syndrome. Last evaluated: 2025-11-23. Review status: criteria provided, single submitter. Criteria: Invitae Variant Classification Sherloc (09022015). Collection method: clinical testing. Allele origin: germline.

ARUP Laboratories, Molecular Genetics and Genomics, ARUP Laboratories
Classification: Likely benign. Last evaluated: 2023-08-09. Review status: criteria provided, single submitter. Criteria: ARUP Molecular Germline Variant Investigation Process 2024. Collection method: clinical testing. Allele origin: germline.

Blueprint Genetics
Classification: Likely benign. Last evaluated: 2022-06-14. Review status: criteria provided, single submitter. Criteria: ACMG Guidelines, 2015. Collection method: clinical testing. Allele origin: germline.

CeGaT Center for Human Genetics Tuebingen
Classification: Likely benign. Last evaluated: 2022-05-01. Review status: criteria provided, single submitter. Criteria: CeGaT Center For Human Genetics Tuebingen Variant Classification Criteria Version 2. Collection method: clinical testing. Allele origin: germline. Affected: yes. Observed: 1 variant allele.
Comment: NOD2: BP4, BP7

Illumina Laboratory Services, Illumina
Classification: Uncertain significance for Inflammatory bowel disease 1. Last evaluated: 2018-01-13. Review status: criteria provided, single submitter. Criteria: ICSL Variant Classification Criteria 13 December 2019. Collection method: clinical testing. Allele origin: germline.

Illumina Laboratory Services, Illumina
Classification: Uncertain significance for Blau syndrome. Last evaluated: 2018-01-13. Review status: criteria provided, single submitter. Criteria: ICSL Variant Classification Criteria 13 December 2019. Collection method: clinical testing. Allele origin: germline.

Unité médicale des maladies autoinflammatoires, CHRU Montpellier
No classification provided. Condition: Sarcoidosis, early-onset. Review status: no classification provided. Collection method: not provided. Allele origin: unknown. Not counted in ClinVar's aggregate classification.
Comment: also involved in OMIM 186580 and 266600